The following is an entry in ClinVar:

ClinVar aggregate classification (germline): Pathogenic. Review status: criteria provided, multiple submitters, no conflicts (2 of 4 stars). 2 submissions from 2 submitters: Pathogenic (2). Last evaluated 2023-12-15.

Conditions:
Phenylketonuria (PKU). Also called: Phenylketonuria (PKU); FOLLING DISEASE; OLIGOPHRENIA PHENYLPYRUVICA; Phenylketonurias. Identifiers: Orphanet 716, MedGen C0031485, MONDO:0009861, OMIM 261600. Disease mechanism: loss of function.

Allele frequency attached by ClinVar (database versions not stated): gnomAD 0.00001; TOPMed below 0.00001.

Submissions (2):

Women's Health and Genetics/Laboratory Corporation of America, LabCorp
Classification: Pathogenic for Phenylketonuria. Last evaluated: 2023-12-15. Review status: criteria provided, single submitter. Criteria: LabCorp Variant Classification Summary - May 2015. Collection method: clinical testing. Allele origin: germline.
Comment: Variant summary: PAH c.36delC (p.Arg13GlyfsX25) results in a premature termination codon, predicted to cause a truncation of the encoded protein or absence of the protein due to nonsense mediated decay, which are commonly known mechanisms for disease. The variant was absent in 251466 control chromosomes. To our knowledge, no occurrence of c.36delC in individuals affected with Phenylalanine Hydroxylase Deficiency (Phenylketonuria) and no experimental evidence demonstrating its impact on protein function have been reported. One submitter has cited clinical-significance assessments for this variant to ClinVar after 2014 and has classified the variant as pathogenic. Based on the evidence outlined above, the variant was classified as pathogenic.

Labcorp Genetics (formerly Invitae), Labcorp
Classification: Pathogenic for Phenylketonuria. Last evaluated: 2023-04-11. Review status: criteria provided, single submitter. Criteria: Invitae Variant Classification Sherloc (09022015). Collection method: clinical testing. Allele origin: germline.
Comment: This sequence change creates a premature translational stop signal (p.Arg13Glyfs*25) in the PAH gene. It is expected to result in an absent or disrupted protein product. Loss-of-function variants in PAH are known to be pathogenic (PMID: 1301187, 9634518). This variant is not present in population databases (gnomAD no frequency). This variant has not been reported in the literature in individuals affected with PAH-related conditions. ClinVar contains an entry for this variant (Variation ID: 1396996). For these reasons, this variant has been classified as Pathogenic.

Literature cited by the submitters: PubMed 1301187 (cited by Labcorp Genetics (formerly Invitae), Labcorp); PubMed 9634518 (cited by Labcorp Genetics (formerly Invitae), Labcorp).

NM_000277.3(PAH):c.36del (p.Arg13fs)

Gene: PAH (phenylalanine hydroxylase; minus strand). Cytogenetic location: 12q23.2.
Variant type: Deletion.
Coding change: c.36del on transcript NM_000277.3 (MANE Select); coding-DNA position 36, one base deleted (C; older notation c.36delC).
Protein change: p.Arg13fs; shifts the reading frame from arginine 13.
Molecular consequence: frameshift variant.
Genome position (GRCh38, 1-based): chr12:102,917,095, G deleted on the plus strand (C on the coding strand, the reverse complement: PAH is on the minus strand). VCF-style (leftmost placement, unchanged base first): chr12-102917094-TG-T. GRCh37 (hg19) VCF-style: chr12-103310872-TG-T.
Other names: c.36delC (NM_000277.3); c.36del, p.Arg13fs (NM_001354304.2); short protein forms R13fs.
Identifiers: ClinVar variation 1396996 (VCV001396996.7), dbSNP rs1878413079, ClinGen allele CA951260782.
Genomic context (GRCh38, chr12:102,917,094, plus strand): 5'-TTCCCCTAACTGAGCAGCTCAGGCTGCCGTGGCTCACCTGTCCAAAGTCAGAGAGTTTCC[TG>T]CCCAAGCCTGGGTTTTCCAGGACCGCAGTGGACATGCTGGCTCCCCGGGAGTGAGGTCTC-3'